The following is an entry in ClinVar:

NM_001005498.4(RHBDF2):c.1195G>A (p.Val399Met)

Gene: RHBDF2 (rhomboid 5 homolog 2; minus strand). Cytogenetic location: 17q25.1.
Variant type: single nucleotide variant.
Coding change: c.1195G>A on transcript NM_001005498.4 (MANE Select); coding-DNA position 1195, G replaced by A.
Protein change: p.Val399Met; replaces valine 399 with methionine.
Molecular consequence: missense variant. On other transcripts: non-coding transcript variant (3).
Genome position (GRCh38, 1-based): chr17:76,475,062, C>T on the plus strand (G>A on the coding strand, the complement: RHBDF2 is on the minus strand). VCF-style: chr17-76475062-C-T. GRCh37 (hg19) VCF-style: chr17-74471144-C-T.
Other names: c.1195G>A, p.Val399Met (NM_001376228.1, NM_001376229.1, NM_001376230.1); c.1282G>A, p.Val428Met (NM_024599.5); short protein forms V399M, V428M.
Identifiers: ClinVar variation 2908382 (VCV002908382.4), dbSNP rs370508723, ClinGen allele CA8787100.

ClinVar aggregate classification (germline): Uncertain significance. Review status: criteria provided, multiple submitters, no conflicts (2 of 4 stars). 2 submissions from 2 submitters: Uncertain significance (2). Last evaluated 2025-11-19.

Conditions:
Inborn genetic diseases. Identifiers: MedGen C0950123, MeSH D030342.

Allele frequency attached by ClinVar (database versions not stated): gnomAD 0.00002; ExAC 0.00006; gnomAD exomes 0.00005; TOPMed 0.00007; 1000 Genomes Project 30x 0.00031; ESP Exome Variant Server 0.00008; 1000 Genomes Project 0.00020.

Submissions (2):

Labcorp Genetics (formerly Invitae), Labcorp
Classification: Uncertain significance. Last evaluated: 2025-11-19. Review status: criteria provided, single submitter. Criteria: Invitae Variant Classification Sherloc (09022015). Collection method: clinical testing. Allele origin: germline.
Comment: This sequence change replaces valine, which is neutral and non-polar, with methionine, which is neutral and non-polar, at codon 428 of the RHBDF2 protein (p.Val428Met). The frequency data for this variant in the population databases is considered unreliable, as metrics indicate poor data quality at this position in the gnomAD database. This variant has not been reported in the literature in individuals affected with RHBDF2-related conditions. ClinVar contains an entry for this variant (Variation ID: 2908382). An algorithm developed to predict the effect of missense changes on protein structure and function (PolyPhen-2) suggests that this variant is likely to be tolerated. In summary, the available evidence is currently insufficient to determine the role of this variant in disease. Therefore, it has been classified as a Variant of Uncertain Significance.

Ambry Genetics
Classification: Uncertain significance for Inborn genetic diseases. Last evaluated: 2024-10-11. Review status: criteria provided, single submitter. Criteria: Ambry Variant Classification Scheme 2023. Collection method: clinical testing. Allele origin: germline.